The following is an entry in ClinVar:

ClinVar aggregate classification (germline): Uncertain significance. Review status: reviewed by expert panel (3 of 4 stars). 3 submissions from 3 submitters: Uncertain significance (1). 2 of the submissions do not count toward it. Last evaluated 2024-08-12.

Conditions:
Inborn genetic diseases. Identifiers: MedGen C0950123, MeSH D030342.
Hereditary thrombocytopenia and hematologic cancer predisposition syndrome. Identifiers: Orphanet 71290, MedGen CN281654, MONDO:0011071.
Hereditary thrombocytopenia and hematological cancer predisposition syndrome associated with RUNX1. Also called: Familial Platelet Disorder with Propensity to Acute Myelogenous Leukemia; PLATELET DISORDER, ASPIRIN-LIKE; RUNX1 Familial Platelet Disorder with Associated Myeloid Malignancies; Familial thrombocytopenia with propensity to acute myelogenous leukemia. Identifiers: Orphanet 71290, MedGen C1832388, MeSH C563324, MONDO:0100083, OMIM 601399.

Allele frequency attached by ClinVar (database versions not stated): TOPMed below 0.00001.
gnomAD v4.1: 4 of 1,542,354 alleles (0.00026%); highest among the groups gnomAD compares: Non-Finnish European, 0.00035%; no homozygotes.

Submissions (3):

ClinGen Myeloid Malignancy Variant Curation Expert Panel
Classification: Uncertain significance for Hereditary thrombocytopenia and hematologic cancer predisposition syndrome. Last evaluated: 2024-08-12. Review status: reviewed by expert panel. Criteria: ClinGen MyeloMalig ACMG Specifications v2. Collection method: curation. Allele origin: germline. Inheritance: Autosomal dominant inheritance.
Comment: NM_001754.5(RUNX1):c.1292C>T (p.Pro431Leu) is a missense variant which is absent from gnomAD v2 and v3 (PM2_Supporting). The computational predictor REVEL gives a score of 0.366, and the splice site predictor SpliceAI indicated no impact on splicing, evidence that does not predict a damaging effect on RUNX1 function (BP4). In summary, this variant meets the criteria to be classified as a VUS for autosomal dominant hereditary thrombocytopenia and hematologic cancer predisposition syndrome based on the ACMG/AMP criteria applied, as specified by the ClinGen Myeloid Malignancy VCEP: PM2_Supporting and BP4.

Ambry Genetics
Classification: Uncertain significance for Inborn genetic diseases. Last evaluated: 2026-07-07. Review status: criteria provided, single submitter. Criteria: Ambry Variant Classification Scheme 2023. Collection method: clinical testing. Allele origin: germline. Not counted in ClinVar's aggregate classification.
Comment: The p.P431L variant (also known as c.1292C>T), located in coding exon 8 of the RUNX1 gene, results from a C to T substitution at nucleotide position 1292. The proline at codon 431 is replaced by leucine, an amino acid with similar properties. This amino acid position is conserved. In addition, this alteration is predicted to be tolerated by in silico analysis. Based on the available evidence, the clinical significance of this variant remains unclear.

Labcorp Genetics (formerly Invitae), Labcorp
Classification: Uncertain significance for Hereditary thrombocytopenia and hematological cancer predisposition syndrome associated with RUNX1. Last evaluated: 2021-12-02. Review status: criteria provided, single submitter. Criteria: Invitae Variant Classification Sherloc (09022015). Collection method: clinical testing. Allele origin: germline. Not counted in ClinVar's aggregate classification.
Comment: This variant is not present in population databases (gnomAD no frequency). This variant has not been reported in the literature in individuals affected with RUNX1-related conditions. ClinVar contains an entry for this variant (Variation ID: 1014442). Algorithms developed to predict the effect of missense changes on protein structure and function are either unavailable or do not agree on the potential impact of this missense change (SIFT: "Deleterious"; PolyPhen-2: "Probably Damaging"; Align-GVGD: "Class C0"). In summary, the available evidence is currently insufficient to determine the role of this variant in disease. Therefore, it has been classified as a Variant of Uncertain Significance. This sequence change replaces proline, which is neutral and non-polar, with leucine, which is neutral and non-polar, at codon 431 of the RUNX1 protein (p.Pro431Leu).

NM_001754.5(RUNX1):c.1292C>T (p.Pro431Leu)

Gene: RUNX1 (RUNX family transcription factor 1; minus strand). Cytogenetic location: 21q22.12.
Variant type: single nucleotide variant.
Coding change: c.1292C>T on transcript NM_001754.5 (MANE Select); coding-DNA position 1292, C replaced by T.
Protein change: p.Pro431Leu; replaces proline 431 with leucine.
Molecular consequence: missense variant.
Genome position (GRCh38, 1-based): chr21:34,792,286, G>A on the plus strand (C>T on the coding strand, the complement: RUNX1 is on the minus strand). VCF-style: chr21-34792286-G-A. GRCh37 (hg19) VCF-style: chr21-36164583-G-A.
Other names: NM_001754.5(RUNX1):c.1292C>T; p.Pro431Leu; c.1292C>T (NM_001754.4); c.1211C>T, p.Pro404Leu (NM_001001890.3); short protein forms P404L, P431L.
Identifiers: ClinVar variation 1014442 (VCV001014442.8), dbSNP rs2056450734, ClinGen allele CA410147485.